The following is an entry in ClinVar:

NM_016312.3(WBP11):c.521G>A (p.Gly174Glu)

Gene: WBP11 (WW domain binding protein 11; minus strand). Cytogenetic location: 12p12.3.
Variant type: single nucleotide variant.
Coding change: c.521G>A on transcript NM_016312.3 (MANE Select); coding-DNA position 521, G replaced by A.
Protein change: p.Gly174Glu; replaces glycine 174 with glutamic acid.
Molecular consequence: missense variant.
Genome position (GRCh38, 1-based): chr12:14,794,971, C>T on the plus strand (G>A on the coding strand, the complement: WBP11 is on the minus strand). VCF-style: chr12-14794971-C-T. GRCh37 (hg19) VCF-style: chr12-14947905-C-T.
Other names: short protein forms G174E.
Identifiers: ClinVar variation 4532505 (VCV004532505.1).

ClinVar aggregate classification (germline): Uncertain significance (1 of 4 stars; one submission).

Submission:

GeneDx
Classification: Uncertain significance. Last evaluated: 2025-05-28. Review status: criteria provided, single submitter. Criteria: GeneDx Variant Classification Process June 2021. Collection method: clinical testing. Allele origin: germline. Affected: yes.
Comment: Not observed at significant frequency in large population cohorts (gnomAD); In silico analysis supports that this missense variant has a deleterious effect on protein structure/function; Has not been previously published as pathogenic or benign to our knowledge